The following is an entry in ClinVar:

ClinVar aggregate classification (germline): Uncertain significance. Review status: criteria provided, multiple submitters, no conflicts (2 of 4 stars). 5 submissions from 4 submitters: Uncertain significance (5). Last evaluated 2026-01-29.

Conditions:
Hereditary cancer-predisposing syndrome. Also called: Tumor predisposition; Hereditary neoplastic syndrome; Hereditary Cancer Syndrome; Neoplastic Syndromes, Hereditary. Identifiers: Orphanet 140162, MedGen C0027672, MeSH D009386, MONDO:0015356.
Cardiovascular phenotype. Identifiers: MedGen CN230736.
Neurofibromatosis, type 1 (NF1). Also called: VON RECKLINGHAUSEN DISEASE; Peripheral type neurofibromatosis; NEUROFIBROMATOSIS, TYPE I, SOMATIC; Neurofibromatosis, type I. Identifiers: Orphanet 636, MedGen C0027831, MONDO:0018975, OMIM 162200. Disease mechanism: loss of function.

Submissions (5):

Dasa
Classification: Uncertain significance. Last evaluated: 2026-01-29. Review status: criteria provided, single submitter. Criteria: DASA Assertion Criteria. Collection method: clinical testing. Allele origin: germline.
Comment: NM_001042492.3(NF1):c.5642C>A (p.Thr1881Asn) is a missense variant that results in the substitution of threonine with asparagine. The affected residue or protein region has prior evidence supporting clinical relevance. This variant is rare in population databases. The currently available literature and clinical evidence are not sufficient to establish a definitive association between this variant and the reported condition. Therefore, this variant is classified as a variant of uncertain significance.

Ambry Genetics
Classification: Uncertain significance for Cardiovascular phenotype; Hereditary cancer-predisposing syndrome. Last evaluated: 2022-09-15. Review status: criteria provided, single submitter. Criteria: Ambry Variant Classification Scheme 2023. Collection method: clinical testing. Allele origin: germline.

Genome-Nilou Lab
Classification: Uncertain significance for Neurofibromatosis, type 1. Last evaluated: 2022-03-15. Review status: criteria provided, single submitter. Criteria: ACMG Guidelines, 2015. Collection method: clinical testing. Allele origin: germline. Affected: no.

Labcorp Genetics (formerly Invitae), Labcorp
Classification: Uncertain significance for Neurofibromatosis, type 1. Last evaluated: 2022-03-12. Review status: criteria provided, single submitter. Criteria: Invitae Variant Classification Sherloc (09022015). Collection method: clinical testing. Allele origin: germline.
Comment: This sequence change replaces threonine, which is neutral and polar, with asparagine, which is neutral and polar, at codon 1860 of the NF1 protein (p.Thr1860Asn). In summary, the available evidence is currently insufficient to determine the role of this variant in disease. Therefore, it has been classified as a Variant of Uncertain Significance. Advanced modeling of protein sequence and biophysical properties (such as structural, functional, and spatial information, amino acid conservation, physicochemical variation, residue mobility, and thermodynamic stability) performed at Invitae indicates that this missense variant is expected to disrupt NF1 protein function. ClinVar contains an entry for this variant (Variation ID: 230044). This variant has not been reported in the literature in individuals affected with NF1-related conditions. This variant is not present in population databases (gnomAD no frequency).

Ambry Genetics
Classification: Uncertain significance for Hereditary cancer-predisposing syndrome. Last evaluated: 2015-01-19. Review status: criteria provided, single submitter. Criteria: Ambry Autosomal Dominant and X-Linked criteria (10/2015). Collection method: clinical testing. Allele origin: germline. Observed: 1 variant allele.
Comment: Insufficient or conflicting evidence;In silico models in agreement (deleterious) and/or completely conserved position in appropriate species;Rarity in general population databases (dbsnp, esp, 1000 genomes)

NM_001042492.3(NF1):c.5642C>A (p.Thr1881Asn)

Gene: NF1 (neurofibromin 1; plus strand). Cytogenetic location: 17q11.2.
Variant type: single nucleotide variant.
Coding change: c.5642C>A on transcript NM_001042492.3 (MANE Select); coding-DNA position 5642, C replaced by A.
Protein change: p.Thr1881Asn; replaces threonine 1881 with asparagine.
Molecular consequence: missense variant.
Genome position (GRCh38, 1-based): chr17:31,330,328, C>A. VCF-style: chr17-31330328-C-A. GRCh37 (hg19) VCF-style: chr17-29657346-C-A.
Other names: c.5579C>A, p.Thr1860Asn (NM_000267.4); short protein forms T1860N, T1881N.
Identifiers: ClinVar variation 230044 (VCV000230044.13), dbSNP rs876658349, ClinGen allele CA10580354.